The following is an entry in ClinVar:

ClinVar aggregate classification (germline): Uncertain significance (1 of 4 stars; one submission).

Conditions:
Developmental and epileptic encephalopathy, 12 (DEE12). Identifiers: MedGen C3150988, MONDO:0013389, OMIM 613722.

Allele frequency attached by ClinVar (database versions not stated): gnomAD exomes below 0.00001.
gnomAD v4.1: 1 of 1,613,900 alleles (0.000062%); highest among the groups gnomAD compares: East Asian, 0.0022%; no homozygotes.

Submission:

Labcorp Genetics (formerly Invitae), Labcorp
Classification: Uncertain significance for Developmental and epileptic encephalopathy, 12. Last evaluated: 2022-07-20. Review status: criteria provided, single submitter. Criteria: Invitae Variant Classification Sherloc (09022015). Collection method: clinical testing. Allele origin: germline.
Comment: Algorithms developed to predict the effect of missense changes on protein structure and function (SIFT, PolyPhen-2, Align-GVGD) all suggest that this variant is likely to be tolerated. In summary, the available evidence is currently insufficient to determine the role of this variant in disease. Therefore, it has been classified as a Variant of Uncertain Significance. This sequence change replaces serine, which is neutral and polar, with arginine, which is basic and polar, at codon 300 of the PLCB1 protein (p.Ser300Arg). This variant is not present in population databases (gnomAD no frequency). This variant has not been reported in the literature in individuals affected with PLCB1-related conditions.

NM_015192.4(PLCB1):c.900T>G (p.Ser300Arg)

Gene: PLCB1 (phospholipase C beta 1; plus strand). Cytogenetic location: 20p12.3.
Variant type: single nucleotide variant.
Coding change: c.900T>G on transcript NM_015192.4 (MANE Select); coding-DNA position 900, T replaced by G.
Protein change: p.Ser300Arg; replaces serine 300 with arginine.
Molecular consequence: missense variant.
Genome position (GRCh38, 1-based): chr20:8,684,969, T>G. VCF-style: chr20-8684969-T-G. GRCh37 (hg19) VCF-style: chr20-8665616-T-G.
Other names: c.900T>G, p.Ser300Arg (NM_182734.3); short protein forms S300R.
Identifiers: ClinVar variation 1720739 (VCV001720739.6), dbSNP rs2515229556, ClinGen allele CA408193983.